The following is an entry in ClinVar:

NC_000011.10:g.(?_108347269)_(108354884_?)del

Genes: C11orf65 (chromosome 11 open reading frame 65; minus strand), ATM (ATM serine/threonine kinase; plus strand). Cytogenetic location: 11q22.3.
Variant type: Deletion.
Identifiers: ClinVar variation 661196 (VCV000661196.6).

ClinVar aggregate classification (germline): Pathogenic (1 of 4 stars; one submission).

Conditions:
Ataxia-telangiectasia syndrome (AT). Also called: Ataxia-telangiectasia, complementation group D; AT, COMPLEMENTATION GROUP C; Ataxia telangiectasia (A-T); Cerebello-oculocutaneous telangiectasia; Immunodeficiency with ataxia telangiectasia; ATAXIA-TELANGIECTASIA, COMPLEMENTATION GROUP A. Identifiers: Orphanet 100, MedGen C0004135, MONDO:0008840, OMIM 208900.

Submission:

Labcorp Genetics (formerly Invitae), Labcorp
Classification: Pathogenic for Ataxia-telangiectasia syndrome. Last evaluated: 2022-01-31. Review status: criteria provided, single submitter. Criteria: Invitae Variant Classification Sherloc (09022015). Collection method: clinical testing. Allele origin: germline.
Comment: For these reasons, this variant has been classified as Pathogenic. This variant has not been reported in the literature in individuals affected with ATM-related conditions. This variant is a gross deletion of the genomic region encompassing exon(s) 59-61 of the ATM gene. This deletion is out-of-frame, and is expected to create a premature termination codon and result in an absent or disrupted protein product. Loss-of-function variants in ATM are known to be pathogenic (PMID: 23807571, 25614872).

Literature cited by the submitters: PubMed 23807571; PubMed 25614872.